The following is an entry in ClinVar:

ClinVar aggregate classification (germline): Uncertain significance (1 of 4 stars; one submission).

Conditions:
Cardiovascular phenotype. Identifiers: MedGen CN230736.
Hereditary cancer-predisposing syndrome. Also called: Neoplastic Syndromes, Hereditary; Tumor predisposition; Hereditary neoplastic syndrome; Hereditary Cancer Syndrome. Identifiers: Orphanet 140162, MedGen C0027672, MeSH D009386, MONDO:0015356.

Submission:

Ambry Genetics
Classification: Uncertain significance for Cardiovascular phenotype; Hereditary cancer-predisposing syndrome. Last evaluated: 2026-08-05. Review status: criteria provided, single submitter. Criteria: Ambry Variant Classification Scheme 2023. Collection method: clinical testing. Allele origin: germline.
Comment: The p.D531V variant (also known as c.1592A>T), located in coding exon 14 of the LZTR1 gene, results from an A to T substitution at nucleotide position 1592. The aspartic acid at codon 531 is replaced by valine, an amino acid with highly dissimilar properties. This amino acid position is conserved. In addition, this alteration is predicted to be deleterious by in silico analysis. Based on the available evidence, the clinical significance of this variant remains unclear.

NM_006767.4(LZTR1):c.1592A>T (p.Asp531Val)

Gene: LZTR1 (leucine zipper like post translational regulator 1; plus strand). Cytogenetic location: 22q11.21.
Variant type: single nucleotide variant.
Coding change: c.1592A>T on transcript NM_006767.4 (MANE Select); coding-DNA position 1592, A replaced by T.
Protein change: p.Asp531Val; replaces aspartic acid 531 with valine.
Molecular consequence: missense variant.
Genome position (GRCh38, 1-based): chr22:20,994,246, A>T. VCF-style: chr22-20994246-A-T. GRCh37 (hg19) VCF-style: chr22-21348535-A-T.
Other names: short protein forms D531V.
Identifiers: ClinVar variation 5023732 (VCV005023732.1).